The following is an entry in ClinVar:

NM_001166108.2(PALLD):c.2340A>C (p.Glu780Asp)

Genes: CBR4 (carbonyl reductase 4; minus strand), PALLD (palladin, cytoskeletal associated protein; plus strand). Cytogenetic location: 4q32.3.
Variant type: single nucleotide variant.
Coding change: c.2340A>C on transcript NM_001166108.2 (MANE Select); coding-DNA position 2340, A replaced by C.
Protein change: p.Glu780Asp; replaces glutamic acid 780 with aspartic acid.
Molecular consequence: missense variant.
Genome position (GRCh38, 1-based): chr4:168,898,582, A>C. VCF-style: chr4-168898582-A-C. GRCh37 (hg19) VCF-style: chr4-169819733-A-C.
Other names: c.1143A>C, p.Glu381Asp (NM_001166109.2); c.828A>C, p.Glu276Asp (NM_001166110.2); c.168A>C, p.Glu56Asp (NM_001367567.1, NM_001367569.1); c.219A>C, p.Glu73Asp (NM_001367568.1, NM_001367570.1); c.2289A>C, p.Glu763Asp (NM_016081.4); c.2289A>C (NM_016081.3); short protein forms E276D, E56D, E780D, E73D, E381D, E763D.
Identifiers: ClinVar variation 1038184 (VCV001038184.10), dbSNP rs1431975703, ClinGen allele CA358798871.

ClinVar aggregate classification (germline): Conflicting classifications of pathogenicity. Review status: criteria provided, conflicting classifications (1 of 4 stars). 2 submissions from 2 submitters: Uncertain significance (1); Likely benign (1). Last evaluated 2023-02-25.

Conditions:
Pancreatic adenocarcinoma. Identifiers: MedGen C0281361, MONDO:0006047, HP:0006725.

Allele frequency attached by ClinVar (database versions not stated): gnomAD exomes below 0.00001; gnomAD 0.00001; TOPMed 0.00001.
gnomAD v4.1: 3 of 1,613,510 alleles (0.00019%); highest among the groups gnomAD compares: Non-Finnish European, 0.00025%; no homozygotes.

Submissions (2):

Ambry Genetics
Classification: Likely benign. Last evaluated: 2023-02-25. Review status: criteria provided, single submitter. Criteria: Ambry Variant Classification Scheme 2023. Collection method: clinical testing. Allele origin: germline.

Labcorp Genetics (formerly Invitae), Labcorp
Classification: Uncertain significance for Pancreatic adenocarcinoma. Last evaluated: 2020-04-01. Review status: criteria provided, single submitter. Criteria: Invitae Variant Classification Sherloc (09022015). Collection method: clinical testing. Allele origin: germline.
Comment: Algorithms developed to predict the effect of missense changes on protein structure and function output the following: SIFT: "Deleterious"; PolyPhen-2: "Benign"; Align-GVGD: "Class C35". The aspartic acid amino acid residue is found in multiple mammalian species, suggesting that this missense change does not adversely affect protein function. These predictions have not been confirmed by published functional studies and their clinical significance is uncertain. In summary, the available evidence is currently insufficient to determine the role of this variant in disease. Therefore, it has been classified as a Variant of Uncertain Significance. This variant has not been reported in the literature in individuals with PALLD-related conditions. This variant is not present in population databases (ExAC no frequency). This sequence change replaces glutamic acid with aspartic acid at codon 276 of the PALLD protein (p.Glu276Asp). The glutamic acid residue is highly conserved and there is a small physicochemical difference between glutamic acid and aspartic acid.